The following is an entry in ClinVar:

ClinVar aggregate classification (germline): Pathogenic (1 of 4 stars; one submission).

Conditions:
Ataxia-telangiectasia syndrome (AT). Also called: ATAXIA-TELANGIECTASIA, COMPLEMENTATION GROUP A; ATAXIA-TELANGIECTASIA, FRESNO VARIANT; Ataxia-telangiectasia; LOUIS-BAR SYNDROME; Cerebello-oculocutaneous telangiectasia; Immunodeficiency with ataxia telangiectasia. Identifiers: Orphanet 100, MedGen C0004135, MONDO:0008840, OMIM 208900.

Submission:

Labcorp Genetics (formerly Invitae), Labcorp
Classification: Pathogenic for Ataxia-telangiectasia syndrome. Last evaluated: 2025-07-16. Review status: criteria provided, single submitter. Criteria: Invitae Variant Classification Sherloc (09022015). Collection method: clinical testing. Allele origin: germline.
Comment: This sequence change creates a premature translational stop signal (p.Lys1417Asnfs*7) in the ATM gene. It is expected to result in an absent or disrupted protein product. Loss-of-function variants in ATM are known to be pathogenic (PMID: 23807571, 25614872). This variant is not present in population databases (gnomAD no frequency). This variant has not been reported in the literature in individuals affected with ATM-related conditions. For these reasons, this variant has been classified as Pathogenic.

Literature cited by the submitters: PubMed 23807571; PubMed 25614872.

NM_000051.4(ATM):c.4248_4249del (p.Lys1417fs)

Gene: ATM (ATM serine/threonine kinase; plus strand). Cytogenetic location: 11q22.3.
Variant type: Deletion.
Coding change: c.4248_4249del on transcript NM_000051.4 (MANE Select); coding-DNA positions 4248 to 4249, 2 bases deleted (GA; older notation c.4248_4249delGA).
Protein change: p.Lys1417fs; shifts the reading frame from lysine 1417.
Molecular consequence: frameshift variant.
Genome position (GRCh38, 1-based): chr11:108,289,613-108,289,614, GA deleted; deleting any 2 consecutive bases within chr11:108,289,612-108,289,614 gives the same sequence; the c. name uses the placement nearest the transcript's 3' end. VCF-style (leftmost placement, unchanged base first): chr11-108289611-CAG-C. GRCh37 (hg19) VCF-style: chr11-108160338-CAG-C.
Other names: c.4248_4249del, p.Lys1417fs (NM_001351834.2); short protein forms K1417fs.
Identifiers: ClinVar variation 4723333 (VCV004723333.1).